The following is an entry in ClinVar:

ClinVar aggregate classification (germline): Likely benign (1 of 4 stars; one submission).

Allele frequency attached by ClinVar (database versions not stated): 1000 Genomes Project 30x 0.00187; 1000 Genomes Project 0.00200; ESP Exome Variant Server 0.00369; gnomAD 0.00378; ExAC 0.00399.
gnomAD v4.1: 8,904 of 1,611,686 alleles (0.55%); highest among the groups gnomAD compares: Non-Finnish European, 0.69%; 40 homozygotes.

Submission:

CeGaT Center for Human Genetics Tuebingen
Classification: Likely benign. Last evaluated: 2026-08-01. Review status: criteria provided, single submitter. Criteria: CeGaT Center For Human Genetics Tuebingen Variant Classification Criteria Version 2. Collection method: clinical testing. Allele origin: germline. Affected: yes. Observed: 7 variant alleles.
Comment: MCM10: BS2

NM_018518.5(MCM10):c.2222C>A (p.Thr741Lys)

Gene: MCM10 (minichromosome maintenance 10 replication initiation factor; plus strand). Cytogenetic location: 10p13.
Variant type: single nucleotide variant.
Coding change: c.2222C>A on transcript NM_018518.5 (MANE Select); coding-DNA position 2222, C replaced by A.
Protein change: p.Thr741Lys; replaces threonine 741 with lysine.
Molecular consequence: missense variant.
Genome position (GRCh38, 1-based): chr10:13,198,791, C>A. VCF-style: chr10-13198791-C-A. GRCh37 (hg19) VCF-style: chr10-13240791-C-A.
Other names: c.2225C>A, p.Thr742Lys (NM_182751.3); short protein forms T741K, T742K.
Identifiers: ClinVar variation 2640315 (VCV002640315.24), dbSNP rs41291311, ClinGen allele CA5411758.